The following is an entry in ClinVar:

NM_007294.4(BRCA1):c.80+1470A>T

Gene: BRCA1 (BRCA1 DNA repair associated; minus strand). Cytogenetic location: 17q21.31.
Variant type: single nucleotide variant.
Coding change: c.80+1470A>T on transcript NM_007294.4 (MANE Select); 1470 bases into the intron after coding-DNA position 80, A replaced by T.
Molecular consequence: intron variant.
Genome position (GRCh38, 1-based): chr17:43,122,547, T>A on the plus strand (A>T on the coding strand, the complement: BRCA1 is on the minus strand). VCF-style: chr17-43122547-T-A. GRCh37 (hg19) VCF-style: chr17-41274564-T-A.
Other names: c.-109+1470A>T (NM_001407947.1, NM_001408514.1, NM_001408485.1 and 46 more transcripts); c.80+1470A>T (NM_001408447.1, NM_001408433.1, NM_001407690.1 and 192 more transcripts); c.-178+1470A>T (NM_001407724.1, NM_001408468.1, NM_001407842.1 and 11 more transcripts); c.-207+1470A>T (NM_001407697.1, NM_001407846.1, NM_001407920.1); c.-180-871A>T (NM_001407838.1, NM_001408410.1, NM_001408503.1 and 22 more transcripts); c.-184-867A>T (NM_001407741.1, NM_001407934.1, NM_001408497.1); c.-61-6768A>T (NM_001408458.1); c.-219+2730A>T (NM_001407967.1); and 23 more.
Identifiers: ClinVar variation 264835 (VCV000264835.2), dbSNP rs541281969, ClinGen allele CA10588262.

ClinVar aggregate classification (germline): Benign (3 of 4 stars; one submission).

Conditions:
Breast-ovarian cancer, familial, susceptibility to, 1 (BROVCA1). Also called: BRCA1 Hereditary Breast and Ovarian Cancer; OVARIAN CANCER, SUSCEPTIBILITY TO. Identifiers: Orphanet 145, MedGen C2676676, MONDO:0011450, OMIM 604370. Disease mechanism: loss of function.

Allele frequency attached by ClinVar (database versions not stated): gnomAD 0.00006 and 0.00084; TOPMed 0.00019; 1000 Genomes Project 30x 0.00515; 1000 Genomes Project 0.00559.
gnomAD v4.1: 126 of 152,244 alleles (0.083%); highest among the groups gnomAD compares: South Asian, 2.4%; 1 homozygote.

Submission:

Evidence-based Network for the Interpretation of Germline Mutant Alleles (ENIGMA)
Classification: Benign for Breast-ovarian cancer, familial, susceptibility to, 1. Last evaluated: 2016-09-28. Review status: reviewed by expert panel. Criteria: ENIGMA BRCA1/2 Classification Criteria (2015). Collection method: curation. Allele origin: germline.
Comment: Class 1 not pathogenic based on frequency >1% in an outbred sampleset. Frequency 0.0286 (South Asian), derived from 1000 genomes (2013-05-02).